The following is an entry in ClinVar:

NM_001042424.3(NSD2):c.1924G>A (p.Glu642Lys)

Gene: NSD2 (nuclear receptor binding SET domain protein 2; plus strand). Cytogenetic location: 4p16.3.
Variant type: single nucleotide variant.
Coding change: c.1924G>A on transcript NM_001042424.3 (MANE Select); coding-DNA position 1924, G replaced by A.
Protein change: p.Glu642Lys; replaces glutamic acid 642 with lysine.
Molecular consequence: missense variant.
Genome position (GRCh38, 1-based): chr4:1,951,114, G>A. VCF-style: chr4-1951114-G-A. GRCh37 (hg19) VCF-style: chr4-1952841-G-A.
Other names: c.1924G>A, p.Glu642Lys (NM_133330.3, NM_133331.3, NM_133335.4); short protein forms E642K.
Identifiers: ClinVar variation 3666168 (VCV003666168.2).
Genomic context (GRCh38, chr4:1,951,114, plus strand): 5'-CGCCTCCTTCATCTCTAGGTCTCGGACAGCCCGGGAGACGAGCCCTCGGAGTCCCCATAC[G>A]AAAGTGCAGACGAAACACAAACTGAAGTATCTGTCTCATCCAAAAAGTCTGAGCGAGGAG-3'
Protein context (NP_001035889.1, residues 632-652): PGDEPSESPY[Glu642Lys]SADETQTEVS

ClinVar aggregate classification (germline): Uncertain significance (1 of 4 stars; one submission).

gnomAD v4.1: 3 of 1,614,198 alleles (0.00019%); highest among the groups gnomAD compares: Non-Finnish European, 0.00025%; no homozygotes.

Submission:

Labcorp Genetics (formerly Invitae), Labcorp
Classification: Uncertain significance. Last evaluated: 2024-12-26. Review status: criteria provided, single submitter. Criteria: Invitae Variant Classification Sherloc (09022015). Collection method: clinical testing. Allele origin: germline.
Comment: This sequence change replaces glutamic acid, which is acidic and polar, with lysine, which is basic and polar, at codon 642 of the WHSC1 protein (p.Glu642Lys). This variant is not present in population databases (gnomAD no frequency). This variant has not been reported in the literature in individuals affected with WHSC1-related conditions. Invitae Evidence Modeling of protein sequence and biophysical properties (such as structural, functional, and spatial information, amino acid conservation, physicochemical variation, residue mobility, and thermodynamic stability) indicates that this missense variant is not expected to disrupt WHSC1 protein function with a negative predictive value of 80%. In summary, the available evidence is currently insufficient to determine the role of this variant in disease. Therefore, it has been classified as a Variant of Uncertain Significance.